The following is an entry in ClinVar:

NM_000551.4(VHL):c.365C>T (p.Ala122Val)

Genes: VHL (von Hippel-Lindau tumor suppressor; plus strand), LOC107303340 (3p25 von Hippel-Lindau tumor suppressor, E3 ubiquitin protein ligase Alu-mediated recombination region; plus strand). Cytogenetic location: 3p25.3.
Variant type: single nucleotide variant.
Coding change: c.365C>T on transcript NM_000551.4 (MANE Select); coding-DNA position 365, C replaced by T.
Protein change: p.Ala122Val; replaces alanine 122 with valine.
Molecular consequence: missense variant. On other transcripts: intron variant (2).
Genome position (GRCh38, 1-based): chr3:10,146,538, C>T. VCF-style: chr3-10146538-C-T. GRCh37 (hg19) VCF-style: chr3-10188222-C-T.
Other names: c.*18-3249C>T (NM_001354723.2); c.341-3249C>T (NM_198156.3); short protein forms A122V.
Identifiers: ClinVar variation 1027087 (VCV001027087.14), dbSNP rs1696261924, ClinGen allele CA351753771.

ClinVar aggregate classification (germline): Conflicting classifications of pathogenicity. Review status: criteria provided, conflicting classifications (1 of 4 stars). 2 submissions from 2 submitters: Likely pathogenic (1); Uncertain significance (1). Last evaluated 2022-10-31.

Conditions:
Hereditary cancer-predisposing syndrome. Also called: Hereditary neoplastic syndrome; Neoplastic Syndromes, Hereditary; Tumor predisposition; Hereditary Cancer Syndrome. Identifiers: Orphanet 140162, MedGen C0027672, MeSH D009386, MONDO:0015356.
Von Hippel-Lindau syndrome (VHLS). Also called: Von Hippel-Lindau; von Hippel–Lindau syndrome; VHL syndrome. Identifiers: Orphanet 892, MedGen C0019562, MONDO:0008667, OMIM 193300. Disease mechanism: loss of function.
Chuvash polycythemia. Also called: POLYCYTHEMIA, VHL-DEPENDENT. Identifiers: Orphanet 238557, MedGen C1837915, MONDO:0009892, OMIM 263400.

Allele frequency attached by ClinVar (database versions not stated): gnomAD exomes below 0.00001.

Submissions (2):

Ambry Genetics
Classification: Likely pathogenic for Hereditary cancer-predisposing syndrome. Last evaluated: 2022-10-31. Review status: criteria provided, single submitter. Criteria: Ambry Variant Classification Scheme 2023. Collection method: clinical testing. Allele origin: germline.
Comment: The c.365C>T variant (also known as p.A122V), located in coding exon 2 of the VHL gene, results from a C to T substitution at nucleotide position 365. The alanine at codon 122 is replaced by valine, an amino acid with similar properties. This alteration has been observed in individuals with a personal and/or family history that is consistent with VHL-related disease (Ambry internal data; Favier J et al. Mod Pathol, 2020 01;33:57-64). This nucleotide position is highly conserved in available vertebrate species. In silico splice site analysis for this alteration is inconclusive and direct evidence is insufficient at this time (Ambry internal data). This variant is considered to be rare based on population cohorts in the Genome Aggregation Database (gnomAD). Based on the majority of available evidence to date, this variant is likely to be pathogenic.

Labcorp Genetics (formerly Invitae), Labcorp
Classification: Uncertain significance for Von Hippel-Lindau syndrome; Chuvash polycythemia. Last evaluated: 2020-01-13. Review status: criteria provided, single submitter. Criteria: Invitae Variant Classification Sherloc (09022015). Collection method: clinical testing. Allele origin: germline.
Comment: In summary, the available evidence is currently insufficient to determine the role of this variant in disease. Therefore, it has been classified as a Variant of Uncertain Significance. Algorithms developed to predict the effect of sequence changes on RNA splicing suggest that this variant may create or strengthen a splice site, but this prediction has not been confirmed by published transcriptional studies. Algorithms developed to predict the effect of missense changes on protein structure and function are either unavailable or do not agree on the potential impact of this missense change (SIFT: "Tolerated"; PolyPhen-2: "Probably Damaging"; Align-GVGD: "Class C0"). This variant is not present in population databases (ExAC no frequency). This sequence change replaces alanine with valine at codon 122 of the VHL protein (p.Ala122Val). The alanine residue is highly conserved and there is a small physicochemical difference between alanine and valine.

Literature cited by the submitters: PubMed 31383958 (cited by Ambry Genetics).